The following is an entry in ClinVar:

NM_174878.3(CLRN1):c.428T>G (p.Ile143Ser)

Gene: CLRN1 (clarin 1; minus strand). Cytogenetic location: 3q25.1.
Variant type: single nucleotide variant.
Coding change: c.428T>G on transcript NM_174878.3 (MANE Select); coding-DNA position 428, T replaced by G.
Protein change: p.Ile143Ser; replaces isoleucine 143 with serine.
Molecular consequence: missense variant. On other transcripts: 3 prime UTR variant (1), non-coding transcript variant (1).
Genome position (GRCh38, 1-based): chr3:150,941,587, A>C on the plus strand (T>G on the coding strand, the complement: CLRN1 is on the minus strand). VCF-style: chr3-150941587-A-C. GRCh37 (hg19) VCF-style: chr3-150659374-A-C.
Other names: c.428T>G, p.Ile143Ser (NM_001195794.1); c.*42T>G (NM_001256819.2); c.200T>G, p.Ile67Ser (NM_052995.2); short protein forms I143S, I67S.
Identifiers: ClinVar variation 5017195 (VCV005017195.1).

ClinVar aggregate classification (germline): Uncertain significance (1 of 4 stars; one submission).

gnomAD v4.1: 9 of 1,613,882 alleles (0.00056%); highest among the groups gnomAD compares: South Asian, 0.0077%; no homozygotes.

Submission:

GeneDx
Classification: Uncertain significance. Last evaluated: 2026-04-01. Review status: criteria provided, single submitter. Criteria: GeneDx Variant Classification Process June 2021. Collection method: clinical testing. Allele origin: germline.
Comment: In silico analysis supports that this missense variant has a deleterious effect on protein structure/function; Has not been previously published as pathogenic or benign to our knowledge